The following is an entry in ClinVar:

ClinVar aggregate classification (germline): Uncertain significance (1 of 4 stars; one submission).

Allele frequency attached by ClinVar (database versions not stated): gnomAD exomes below 0.00001; TOPMed below 0.00001; gnomAD 0.00001.
gnomAD v4.1: 4 of 1,614,024 alleles (0.00025%); highest among the groups gnomAD compares: Non-Finnish European, 0.00034%; no homozygotes.

Submission:

Labcorp Genetics (formerly Invitae), Labcorp
Classification: Uncertain significance. Last evaluated: 2022-02-22. Review status: criteria provided, single submitter. Criteria: Invitae Variant Classification Sherloc (09022015). Collection method: clinical testing. Allele origin: germline.
Comment: This variant has not been reported in the literature in individuals affected with RP1-related conditions. In summary, the available evidence is currently insufficient to determine the role of this variant in disease. Therefore, it has been classified as a Variant of Uncertain Significance. Algorithms developed to predict the effect of missense changes on protein structure and function are either unavailable or do not agree on the potential impact of this missense change (SIFT: "Deleterious"; PolyPhen-2: "Probably Damaging"; Align-GVGD: "Class C0"). This variant is not present in population databases (gnomAD no frequency). This sequence change replaces histidine, which is basic and polar, with arginine, which is basic and polar, at codon 1823 of the RP1 protein (p.His1823Arg).

NM_006269.2(RP1):c.5468A>G (p.His1823Arg)

Genes: RP1 (RP1 axonemal microtubule associated; plus strand), LOC126860392 (CDK7 strongly-dependent group 2 enhancer GRCh37_chr8:55541319-55542518; plus strand). Cytogenetic location: 8q12.1.
Variant type: single nucleotide variant.
Coding change: c.5468A>G on transcript NM_006269.2 (MANE Select); coding-DNA position 5468, A replaced by G.
Protein change: p.His1823Arg; replaces histidine 1823 with arginine.
Molecular consequence: missense variant. On other transcripts: intron variant (1).
Genome position (GRCh38, 1-based): chr8:54,629,350, A>G. VCF-style: chr8-54629350-A-G. GRCh37 (hg19) VCF-style: chr8-55541910-A-G.
Other names: c.787+7062A>G (NM_001375654.1); short protein forms H1823R.
Identifiers: ClinVar variation 2101621 (VCV002101621.4), dbSNP rs1477893507, ClinGen allele CA370986488.